The following is an entry in ClinVar:

ClinVar aggregate classification (germline): Uncertain significance. Review status: criteria provided, multiple submitters, no conflicts (2 of 4 stars). 2 submissions from 2 submitters: Uncertain significance (2). Last evaluated 2024-06-19.

Conditions:
Charcot-Marie-Tooth disease axonal type 2P. Also called: CHARCOT-MARIE-TOOTH DISEASE, AXONAL, TYPE 2G; CMT 2G; CHARCOT-MARIE-TOOTH NEUROPATHY, TYPE 2P; Charcot-Marie-Tooth Neuropathy Type 2G. Identifiers: Orphanet 300319, Orphanet 99941, MedGen C3280797, MONDO:0013753, OMIM 614436.
Inborn genetic diseases. Identifiers: MedGen C0950123, MeSH D030342.

Allele frequency attached by ClinVar (database versions not stated): TOPMed below 0.00001.
gnomAD v4.1: 5 of 1,613,968 alleles (0.00031%); highest among the groups gnomAD compares: Admixed American, 0.0033%; no homozygotes.

Submissions (2):

Labcorp Genetics (formerly Invitae), Labcorp
Classification: Uncertain significance for Charcot-Marie-Tooth disease axonal type 2P. Last evaluated: 2024-06-19. Review status: criteria provided, single submitter. Criteria: Invitae Variant Classification Sherloc (09022015). Collection method: clinical testing. Allele origin: germline.
Comment: This sequence change replaces leucine, which is neutral and non-polar, with valine, which is neutral and non-polar, at codon 639 of the LRSAM1 protein (p.Leu639Val). This variant is present in population databases (no rsID available, gnomAD 0.006%). This variant has not been reported in the literature in individuals affected with LRSAM1-related conditions. ClinVar contains an entry for this variant (Variation ID: 1782572). An algorithm developed to predict the effect of missense changes on protein structure and function (PolyPhen-2) suggests that this variant is likely to be tolerated. In summary, the available evidence is currently insufficient to determine the role of this variant in disease. Therefore, it has been classified as a Variant of Uncertain Significance.

Ambry Genetics
Classification: Uncertain significance for Inborn genetic diseases. Last evaluated: 2022-01-15. Review status: criteria provided, single submitter. Criteria: Ambry Variant Classification Scheme 2023. Collection method: clinical testing. Allele origin: germline.
Comment: The p.L639V variant (also known as c.1915C>G), located in coding exon 23 of the LRSAM1 gene, results from a C to G substitution at nucleotide position 1915. The leucine at codon 639 is replaced by valine, an amino acid with highly similar properties. This amino acid position is conserved. In addition, this alteration is predicted to be tolerated by in silico analysis. Since supporting evidence is limited at this time, the clinical significance of this alteration remains unclear.

NM_001005373.4(LRSAM1):c.1915C>G (p.Leu639Val)

Gene: LRSAM1 (leucine rich repeat and sterile alpha motif containing 1; plus strand). Cytogenetic location: 9q34.11.
Variant type: single nucleotide variant.
Coding change: c.1915C>G on transcript NM_001005373.4 (MANE Select); coding-DNA position 1915, C replaced by G.
Protein change: p.Leu639Val; replaces leucine 639 with valine.
Molecular consequence: missense variant. On other transcripts: non-coding transcript variant (2).
Genome position (GRCh38, 1-based): chr9:127,501,012, C>G. VCF-style: chr9-127501012-C-G. GRCh37 (hg19) VCF-style: chr9-130263291-C-G.
Other names: c.1915C>G, p.Leu639Val (NM_001005374.4, NM_001384142.1, NM_138361.5); c.1834C>G, p.Leu612Val (NM_001190723.3); c.1816C>G, p.Leu606Val (NM_001384143.1); c.1126C>G, p.Leu376Val (NM_001384144.1); short protein forms L606V, L612V, L376V, L639V.
Identifiers: ClinVar variation 1782572 (VCV001782572.4), dbSNP rs1183405897, ClinGen allele CA374938121.
Genomic context (GRCh38, chr9:127,501,012, plus strand): 5'-CAGGGGTTAGGGTCAGCGGAGATGACCCTGGCTCAGTCTGTCTGTCTGGTCCCCACAGAG[C>G]TGAAACCACCAATGGGTGAGGTCGTCACCCCTACGGCCCCCCAGGAGCCTCCTGAGTCTG-3'
Protein context (NP_001005373.1, residues 629-649): LLDAARIQPE[Leu639Val]KPPMGEVVTP